The following is an entry in ClinVar:

NM_000051.4(ATM):c.4471T>G (p.Phe1491Val)

Gene: ATM (ATM serine/threonine kinase; plus strand). Cytogenetic location: 11q22.3.
Variant type: single nucleotide variant.
Coding change: c.4471T>G on transcript NM_000051.4 (MANE Select); coding-DNA position 4471, T replaced by G.
Protein change: p.Phe1491Val; replaces phenylalanine 1491 with valine.
Molecular consequence: missense variant.
Genome position (GRCh38, 1-based): chr11:108,292,653, T>G. VCF-style: chr11-108292653-T-G. GRCh37 (hg19) VCF-style: chr11-108163380-T-G.
Other names: c.4471T>G, p.Phe1491Val (NM_001351834.2); short protein forms F1491V.
Identifiers: ClinVar variation 629016 (VCV000629016.4), dbSNP rs587781944, ClinGen allele CA382533158.

ClinVar aggregate classification (germline): Uncertain significance. Review status: criteria provided, multiple submitters, no conflicts (2 of 4 stars). 2 submissions from 2 submitters: Uncertain significance (2). Last evaluated 2025-01-23.

Conditions:
Hereditary cancer-predisposing syndrome. Also called: Neoplastic Syndromes, Hereditary; Tumor predisposition; Hereditary neoplastic syndrome; Hereditary Cancer Syndrome. Identifiers: Orphanet 140162, MedGen C0027672, MeSH D009386, MONDO:0015356.

Submissions (2):

Ambry Genetics
Classification: Uncertain significance for Hereditary cancer-predisposing syndrome. Last evaluated: 2025-01-23. Review status: criteria provided, single submitter. Criteria: Ambry Variant Classification Scheme 2023. Collection method: clinical testing. Allele origin: germline.
Comment: The p.F1491V variant (also known as c.4471T>G), located in coding exon 29 of the ATM gene, results from a T to G substitution at nucleotide position 4471. The phenylalanine at codon 1491 is replaced by valine, an amino acid with highly similar properties. This variant was identified in a cohort of individuals with metastatic breast cancer who underwent germline testing of 30 genes (Stuttgen K et al. JAMA Oncol, 2019 Oct;5:1506-1508). This amino acid position is well conserved in available vertebrate species. In addition, this alteration is predicted to be tolerated by in silico analysis. Based on the available evidence, the clinical significance of this variant remains unclear.

Color Diagnostics, LLC DBA Color Health
Classification: Uncertain significance for Hereditary cancer-predisposing syndrome. Last evaluated: 2019-06-07. Review status: criteria provided, single submitter. Criteria: ACMG Guidelines, 2015. Collection method: clinical testing. Allele origin: germline.

Literature cited by the submitters: PubMed 31465090 (cited by Ambry Genetics).